The following is an entry in ClinVar:

NM_005228.5(EGFR):c.1443T>G (p.Phe481Leu)

Gene: EGFR (epidermal growth factor receptor; plus strand). Cytogenetic location: 7p11.2.
Variant type: single nucleotide variant.
Coding change: c.1443T>G on transcript NM_005228.5 (MANE Select); coding-DNA position 1443, T replaced by G.
Protein change: p.Phe481Leu; replaces phenylalanine 481 with leucine.
Molecular consequence: missense variant.
Genome position (GRCh38, 1-based): chr7:55,160,283, T>G. VCF-style: chr7-55160283-T-G. GRCh37 (hg19) VCF-style: chr7-55227976-T-G.
Other names: c.1443T>G (NM_005228.3); c.1308T>G, p.Phe436Leu (NM_001346897.2, NM_001346899.2); c.1443T>G, p.Phe481Leu (NM_001346898.2, NM_201282.2, NM_201284.2); c.1284T>G, p.Phe428Leu (NM_001346900.2); c.642T>G, p.Phe214Leu (NM_001346941.2); short protein forms F481L, F214L, F436L, F428L.
Identifiers: ClinVar variation 134019 (VCV000134019.6), dbSNP rs587778247, ClinGen allele CA158435.

ClinVar aggregate classification (germline): Uncertain significance. Review status: criteria provided, multiple submitters, no conflicts (2 of 4 stars). 3 submissions from 3 submitters: Uncertain significance (2). 1 of the submissions does not count toward it. Last evaluated 2026-07-07.

Conditions:
Hereditary cancer-predisposing syndrome. Also called: Tumor predisposition; Hereditary neoplastic syndrome; Hereditary Cancer Syndrome; Neoplastic Syndromes, Hereditary. Identifiers: Orphanet 140162, MedGen C0027672, MeSH D009386, MONDO:0015356.
EGFR-related lung cancer (EGFR). Identifiers: MedGen CN130014.

Allele frequency attached by ClinVar (database versions not stated): TOPMed below 0.00001; gnomAD 0.00001.
gnomAD v4.1: 3 of 1,613,926 alleles (0.00019%); highest among the groups gnomAD compares: African/African-American, 0.0027%; no homozygotes.

Submissions (3):

Ambry Genetics
Classification: Uncertain significance for Hereditary cancer-predisposing syndrome. Last evaluated: 2026-07-07. Review status: criteria provided, single submitter. Criteria: Ambry Variant Classification Scheme 2023. Collection method: clinical testing. Allele origin: germline.
Comment: The p.F481L variant (also known as c.1443T>G), located in coding exon 12 of the EGFR gene, results from a T to G substitution at nucleotide position 1443. The phenylalanine at codon 481 is replaced by leucine, an amino acid with highly similar properties. This amino acid position is conserved. In addition, this alteration is predicted to be tolerated by in silico analysis. Based on the available evidence, the clinical significance of this variant remains unclear.

Labcorp Genetics (formerly Invitae), Labcorp
Classification: Uncertain significance for EGFR-related lung cancer. Last evaluated: 2025-07-27. Review status: criteria provided, single submitter. Criteria: Invitae Variant Classification Sherloc (09022015). Collection method: clinical testing. Allele origin: germline.
Comment: This sequence change replaces phenylalanine, which is neutral and non-polar, with leucine, which is neutral and non-polar, at codon 481 of the EGFR protein (p.Phe481Leu). This variant is not present in population databases (gnomAD no frequency). This variant has not been reported in the literature in individuals affected with EGFR-related conditions. ClinVar contains an entry for this variant (Variation ID: 134019). Invitae Evidence Modeling of protein sequence and biophysical properties (such as structural, functional, and spatial information, amino acid conservation, physicochemical variation, residue mobility, and thermodynamic stability) indicates that this missense variant is not expected to disrupt EGFR protein function with a negative predictive value of 80%. In summary, the available evidence is currently insufficient to determine the role of this variant in disease. Therefore, it has been classified as a Variant of Uncertain Significance.

ITMI
No classification provided. Condition: AllHighlyPenetrant. Last evaluated: 2013-09-19. Review status: no classification provided. Collection method: reference population. Allele origin: germline. Not counted in ClinVar's aggregate classification.
Comment: Please see associated publication for description of ethnicities

Literature cited by the submitters: PubMed 24728327 (cited by ITMI).